The following is an entry in ClinVar:

NM_004523.4(KIF11):c.235A>G (p.Ile79Val)

Gene: KIF11 (kinesin family member 11; plus strand). Cytogenetic location: 10q23.33.
Variant type: single nucleotide variant.
Coding change: c.235A>G on transcript NM_004523.4 (MANE Select); coding-DNA position 235, A replaced by G.
Protein change: p.Ile79Val; replaces isoleucine 79 with valine.
Molecular consequence: missense variant.
Genome position (GRCh38, 1-based): chr10:92,606,643, A>G. VCF-style: chr10-92606643-A-G. GRCh37 (hg19) VCF-style: chr10-94366400-A-G.
Other names: short protein forms I79V.
Identifiers: ClinVar variation 3600459 (VCV003600459.1).

ClinVar aggregate classification (germline): Uncertain significance (1 of 4 stars; one submission).

Conditions:
Microcephaly with or without chorioretinopathy, lymphedema, or impaired intellectual development. Also called: MICROCEPHALY, LYMPHEDEMA, CHORIORETINAL DYSPLASIA SYNDROME; Microcephaly lymphedema chorioretinal dysplasia; MICROCEPHALY AND CHORIORETINOPATHY WITH OR WITHOUT MENTAL RETARDATION, AUTOSOMAL DOMINANT; Microcephaly with or without chorioretinopathy, lymphedema, or mental retardation; Microcephaly with or without chorioretinopathy, lymphedema, or intellectual disability. Identifiers: Orphanet 2526, MedGen C1835265, MONDO:0007918, OMIM 152950.

gnomAD v4.1: 1 of 1,588,066 alleles (0.000063%); highest among the groups gnomAD compares: Non-Finnish European, 0.000086%; no homozygotes.

Submission:

Clinical Genomics Laboratory, Washington University in St. Louis
Classification: Uncertain significance for Microcephaly with or without chorioretinopathy, lymphedema, or impaired intellectual development. Last evaluated: 2024-11-06. Review status: criteria provided, single submitter. Criteria: ACMG Guidelines, 2015. Collection method: clinical testing. Allele origin: germline.
Comment: A KIF11 c.235A>G (p.Ille79Val) variant was identified at a near heterozygous allelic fraction of 48%, a frequency which may be consistent with it being of germline origin. To our knowledge, this variant has not been reported in the medical literature. The KIF11 c.235A>G (p.Ille79Val) variant is only observed on 1/1,588,066 alleles in the general population (gnomAD v4.1.0), indicating it is not a common variant. Computational predictors are uncertain as to the impact of this variant on KIF11 function. Due to limited information, and based on ACMG/AMP guidelines for variant interpretation (Richards S et al., PMID: 25741868), the clinical significance of this variant is uncertain at this time.